The following is an entry in ClinVar:

ClinVar aggregate classification (germline): Uncertain significance (1 of 4 stars; one submission).

Conditions:
Arrhythmogenic cardiomyopathy with wooly hair and keratoderma. Also called: Dilated cardiomyopathy with woolly hair and keratoderma; PALMOPLANTAR KERATODERMA WITH LEFT VENTRICULAR CARDIOMYOPATHY AND WOOLLY HAIR; Arrhythmogenic cardiomyopathy with woolly hair and keratoderma; Carvajal syndrome. Identifiers: Orphanet 65282, MedGen C1854063, MONDO:0011581, OMIM 605676.
Arrhythmogenic right ventricular dysplasia 8 (ARVD8). Also called: Arrhythmogenic Right Ventricular Dysplasia/Cardiomyopathy 8; ARRHYTHMOGENIC RIGHT VENTRICULAR DYSPLASIA, FAMILIAL, 8; ARRHYTHMOGENIC RIGHT VENTRICULAR CARDIOMYOPATHY 8. Identifiers: MedGen C1843896, MONDO:0011831, OMIM 607450.

Allele frequency attached by ClinVar (database versions not stated): gnomAD exomes 0.00001.
gnomAD v4.1: 5 of 1,614,182 alleles (0.00031%); highest among the groups gnomAD compares: East Asian, 0.0022%; no homozygotes.

Submission:

Labcorp Genetics (formerly Invitae), Labcorp
Classification: Uncertain significance for Arrhythmogenic cardiomyopathy with wooly hair and keratoderma; Arrhythmogenic right ventricular dysplasia 8. Last evaluated: 2025-10-21. Review status: criteria provided, single submitter. Criteria: Invitae Variant Classification Sherloc (09022015). Collection method: clinical testing. Allele origin: germline.
Comment: This sequence change falls in intron 18 of the DSP gene. It does not directly change the encoded amino acid sequence of the DSP protein. It affects a nucleotide within the consensus splice site. This variant is present in population databases (no rsID available, gnomAD 0.007%). This variant has not been reported in the literature in individuals affected with DSP-related conditions. ClinVar contains an entry for this variant (Variation ID: 1021087). Variants that disrupt the consensus splice site are a relatively common cause of aberrant splicing (PMID: 17576681, 9536098). Algorithms developed to predict the effect of sequence changes on RNA splicing suggest that this variant is not likely to affect RNA splicing. In summary, the available evidence is currently insufficient to determine the role of this variant in disease. Therefore, it has been classified as a Variant of Uncertain Significance.

Literature cited by the submitters: PubMed 17576681; PubMed 9536098.

NM_004415.4(DSP):c.2630+3A>G

Gene: DSP (desmoplakin; plus strand). Cytogenetic location: 6p24.3.
Variant type: single nucleotide variant.
Coding change: c.2630+3A>G on transcript NM_004415.4 (MANE Select); 3 bases into the intron after coding-DNA position 2630, A replaced by G.
Molecular consequence: intron variant.
Genome position (GRCh38, 1-based): chr6:7,575,491, A>G. VCF-style: chr6-7575491-A-G. GRCh37 (hg19) VCF-style: chr6-7575724-A-G.
Other names: c.2630+3A>G (NM_001008844.3, NM_001319034.2).
Identifiers: ClinVar variation 1021087 (VCV001021087.7), dbSNP rs1174928581, ClinGen allele CA565358396.
Genomic context (GRCh38, chr6:7,575,491, plus strand): 5'-AAAAAGTCACACAGCTGACAGACCGCTGGCAAAGGATAGATAAACAGATCGACTTTAGGT[A>G]TGCCAGCCTCCTCCCGCTCCTTCCCCATCTTCTCCCCTTTTGGTTGTTCACAAGATAATG-3'